The following is an entry in ClinVar:

ClinVar aggregate classification (germline): not provided (0 of 4 stars; one submission).

Conditions:
Preeclampsia. Identifiers: Orphanet 275555, MedGen C0032914, MONDO:0005081, HP:0100602.

Submission:

Institute of Molecular and Cell Biology, University of Tartu
No classification provided. Condition: Preeclampsia. Review status: no classification provided. Collection method: case-control. Allele origin: unknown. Affected: yes. Study: Kasak2014.
Comment: The study aimed to determine the contribution of copy number variants in the genetic etiology of normal and complicated pregnancies. The samples represented (i) maternal blood DNA drawn from healthy pregnant women during 1st or 2nd trimester and (ii) maternal and paternal blood DNA drawn at term pregnancy cases representing normal and complicated gestations (severe preeclampsia, PE; gestational diabetes, GD; small-for-gestational age newborn, SGA; large-for-gestational age newborn, LGA). We performed CNV calling based on genome-wide genotyping dataset (Illumina HumanOmniExpress-24-v1 BeadChip) by applying three algorithms, QuantiSNP, GADA (Genome Alteration Detection Algorithm) and CNstream in parallel. The acquired CNV calls were merged with HD-CNV (Hotspot Detector for Copy Number Variants) program and only the CNVs predicted by at least two programs, were considered in subsequent analysis.

Literature cited by the submitters: PubMed 25666259.

NR_002812.3(HCG26):n.-83887_14635dup

Genes: HCG26 (HLA complex group 26; plus strand), HCP5 (HLA complex P5; plus strand), LINC01149 (long intergenic non-protein coding RNA 1149; plus strand), MICA (MHC class I polypeptide-related sequence A; plus strand), MICA-AS1 (MICA antisense RNA 1; minus strand) and 2 more. Cytogenetic location: 6p21.33.
Variant type: Duplication.
Identifiers: ClinVar variation 157007 (VCV000157007.2).